The following is an entry in ClinVar:

NM_000350.3(ABCA4):c.2925C>G (p.Ile975Met)

Gene: ABCA4 (ATP binding cassette subfamily A member 4; minus strand). Cytogenetic location: 1p22.1.
Variant type: single nucleotide variant.
Coding change: c.2925C>G on transcript NM_000350.3 (MANE Select); coding-DNA position 2925, C replaced by G.
Protein change: p.Ile975Met; replaces isoleucine 975 with methionine.
Molecular consequence: missense variant.
Genome position (GRCh38, 1-based): chr1:94,044,738, G>C on the plus strand (C>G on the coding strand, the complement: ABCA4 is on the minus strand). VCF-style: chr1-94044738-G-C. GRCh37 (hg19) VCF-style: chr1-94510294-G-C.
Other names: c.2703C>G, p.Ile901Met (NM_001425324.1); short protein forms I975M, I901M.
Identifiers: ClinVar variation 2202796 (VCV002202796.5), dbSNP rs150098352, ClinGen allele CA958091.

ClinVar aggregate classification (germline): Uncertain significance. Review status: criteria provided, multiple submitters, no conflicts (2 of 4 stars). 2 submissions from 2 submitters: Uncertain significance (2). Last evaluated 2023-11-27.

Allele frequency attached by ClinVar (database versions not stated): ExAC 0.00002; gnomAD 0.00002; TOPMed 0.00003; ESP Exome Variant Server 0.00008.

Submissions (2):

Labcorp Genetics (formerly Invitae), Labcorp
Classification: Uncertain significance. Last evaluated: 2023-11-27. Review status: criteria provided, single submitter. Criteria: Invitae Variant Classification Sherloc (09022015). Collection method: clinical testing. Allele origin: germline.
Comment: This sequence change replaces isoleucine, which is neutral and non-polar, with methionine, which is neutral and non-polar, at codon 975 of the ABCA4 protein (p.Ile975Met). This variant is not present in population databases (gnomAD no frequency). This missense change has been observed in individual(s) with Stargardt disease (PMID: 25066811). ClinVar contains an entry for this variant (Variation ID: 2202796). Advanced modeling of protein sequence and biophysical properties (such as structural, functional, and spatial information, amino acid conservation, physicochemical variation, residue mobility, and thermodynamic stability) performed at Invitae indicates that this missense variant is not expected to disrupt ABCA4 protein function with a negative predictive value of 80%. In summary, the available evidence is currently insufficient to determine the role of this variant in disease. Therefore, it has been classified as a Variant of Uncertain Significance.

Blueprint Genetics
Classification: Uncertain significance. Last evaluated: 2021-04-10. Review status: criteria provided, single submitter. Criteria: ACMG Guidelines, 2015. Collection method: clinical testing. Allele origin: germline.

Literature cited by the submitters: PubMed 25066811 (cited by Labcorp Genetics (formerly Invitae), Labcorp).